The following is an entry in ClinVar:

NM_000088.4(COL1A1):c.2619del (p.Thr874fs)

Gene: COL1A1 (collagen type I alpha 1 chain; minus strand). Cytogenetic location: 17q21.33.
Variant type: Deletion.
Coding change: c.2619del on transcript NM_000088.4 (MANE Select); coding-DNA position 2619, one base deleted (T; older notation c.2619delT).
Protein change: p.Thr874fs; shifts the reading frame from threonine 874.
Molecular consequence: frameshift variant.
Genome position (GRCh38, 1-based): chr17:50,189,727, A deleted on the plus strand (T on the coding strand, the reverse complement: COL1A1 is on the minus strand). VCF-style (leftmost placement, unchanged base first): chr17-50189726-TA-T. GRCh37 (hg19) VCF-style: chr17-48267087-TA-T.
Other names: short protein forms T874fs.
Identifiers: ClinVar variation 4722148 (VCV004722148.1).

ClinVar aggregate classification (germline): Pathogenic (1 of 4 stars; one submission).

Conditions:
Osteogenesis imperfecta type I (OI1). Also called: Lobstein disease; Classic Non-deforming Osteogenesis Imperfecta with Blue Sclerae; OI, TYPE I; OSTEOGENESIS IMPERFECTA TARDA; OSTEOGENESIS IMPERFECTA WITH BLUE SCLERAE; Osteogenesis imperfecta type 1. Identifiers: Orphanet 216796, Orphanet 666, MedGen C0023931, MONDO:0008146, OMIM 166200. Disease mechanism: loss of function.

Submission:

Labcorp Genetics (formerly Invitae), Labcorp
Classification: Pathogenic for Osteogenesis imperfecta type I. Last evaluated: 2025-06-25. Review status: criteria provided, single submitter. Criteria: Invitae Variant Classification Sherloc (09022015). Collection method: clinical testing. Allele origin: germline.
Comment: This sequence change creates a premature translational stop signal (p.Thr874Leufs*234) in the COL1A1 gene. It is expected to result in an absent or disrupted protein product. Loss-of-function variants in COL1A1 are known to be pathogenic (PMID: 7942841, 9295084, 9443882). This variant is not present in population databases (gnomAD no frequency). This variant has not been reported in the literature in individuals affected with COL1A1-related conditions. For these reasons, this variant has been classified as Pathogenic.

Literature cited by the submitters: PubMed 7942841; PubMed 9295084; PubMed 9443882.